The following is an entry in ClinVar:

NM_005477.3(HCN4):c.2993C>T (p.Pro998Leu)

Gene: HCN4 (hyperpolarization activated cyclic nucleotide gated potassium channel 4; minus strand). Cytogenetic location: 15q24.1.
Variant type: single nucleotide variant.
Coding change: c.2993C>T on transcript NM_005477.3 (MANE Select); coding-DNA position 2993, C replaced by T.
Protein change: p.Pro998Leu; replaces proline 998 with leucine.
Molecular consequence: missense variant.
Genome position (GRCh38, 1-based): chr15:73,323,100, G>A on the plus strand (C>T on the coding strand, the complement: HCN4 is on the minus strand). VCF-style: chr15-73323100-G-A. GRCh37 (hg19) VCF-style: chr15-73615441-G-A.
Other names: short protein forms P998L.
Identifiers: ClinVar variation 4805945 (VCV004805945.1).

ClinVar aggregate classification (germline): Uncertain significance (1 of 4 stars; one submission).

Conditions:
Brugada syndrome 8 (BRGDA8). Identifiers: Orphanet 130, MedGen C2751083, MONDO:0013148, OMIM 613123.

gnomAD v4.1: 3 of 1,590,600 alleles (0.00019%); highest among the groups gnomAD compares: South Asian, 0.0011%; no homozygotes.

Submission:

Labcorp Genetics (formerly Invitae), Labcorp
Classification: Uncertain significance for Brugada syndrome 8. Last evaluated: 2025-05-25. Review status: criteria provided, single submitter. Criteria: Invitae Variant Classification Sherloc (09022015). Collection method: clinical testing. Allele origin: germline.
Comment: This sequence change replaces proline, which is neutral and non-polar, with leucine, which is neutral and non-polar, at codon 998 of the HCN4 protein (p.Pro998Leu). The frequency data for this variant in the population databases is considered unreliable, as metrics indicate poor data quality at this position in the gnomAD database. This variant has not been reported in the literature in individuals affected with HCN4-related conditions. Invitae Evidence Modeling of protein sequence and biophysical properties (such as structural, functional, and spatial information, amino acid conservation, physicochemical variation, residue mobility, and thermodynamic stability) indicates that this missense variant is not expected to disrupt HCN4 protein function with a negative predictive value of 95%. In summary, the available evidence is currently insufficient to determine the role of this variant in disease. Therefore, it has been classified as a Variant of Uncertain Significance.